The following is an entry in ClinVar:

NM_174889.5(NDUFAF2):c.218-20A>C

Gene: NDUFAF2 (NADH:ubiquinone oxidoreductase complex assembly factor 2; plus strand). Cytogenetic location: 5q12.1.
Variant type: single nucleotide variant.
Coding change: c.218-20A>C on transcript NM_174889.5 (MANE Select); 20 bases into the intron before coding-DNA position 218, A replaced by C.
Molecular consequence: intron variant.
Genome position (GRCh38, 1-based): chr5:61,098,972, A>C. VCF-style: chr5-61098972-A-C. GRCh37 (hg19) VCF-style: chr5-60394799-A-C.
Identifiers: ClinVar variation 388250 (VCV000388250.7), dbSNP rs116558787, ClinGen allele CA3278143.

ClinVar aggregate classification (germline): Benign/Likely benign. Review status: criteria provided, multiple submitters, no conflicts (2 of 4 stars). 3 submissions from 3 submitters: Benign (1); Likely benign (2). Last evaluated 2025-12-31.

Allele frequency attached by ClinVar (database versions not stated): gnomAD exomes 0.00010 and 0.00021; ExAC 0.00027; ESP Exome Variant Server 0.00046; 1000 Genomes Project 30x 0.00094; 1000 Genomes Project 0.00100; gnomAD 0.00112 and 0.00121; TOPMed 0.00114.
gnomAD v4.1: 323 of 1,589,210 alleles (0.02%); highest among the groups gnomAD compares: African/African-American, 0.4%; 1 homozygote.

Submissions (3):

Labcorp Genetics (formerly Invitae), Labcorp
Classification: Benign. Last evaluated: 2025-12-31. Review status: criteria provided, single submitter. Criteria: Invitae Variant Classification Sherloc (09022015). Collection method: clinical testing. Allele origin: germline.

Blueprint Genetics
Classification: Likely benign. Last evaluated: 2024-07-01. Review status: criteria provided, single submitter. Criteria: ACMG Guidelines, 2015. Collection method: clinical testing. Allele origin: germline.

GeneDx
Classification: Likely benign. Last evaluated: 2017-03-03. Review status: criteria provided, single submitter. Criteria: GeneDx Variant Classification (06012015). Collection method: clinical testing. Allele origin: germline. Affected: yes.
Comment: This variant is considered likely benign or benign based on one or more of the following criteria: it is a conservative change, it occurs at a poorly conserved position in the protein, it is predicted to be benign by multiple in silico algorithms, and/or has population frequency not consistent with disease.